The following is an entry in ClinVar:

ClinVar aggregate classification (germline): Likely benign (1 of 4 stars; one submission).

Conditions:
HSD17B4-related disorder. Also called: HSD17B4-related condition; HSD17B4-related disorders.

gnomAD v4.1: 44 of 1,613,904 alleles (0.0027%); highest among the groups gnomAD compares: South Asian, 0.047%; 1 homozygote.

Submission:

PreventionGenetics, part of Exact Sciences
Classification: Likely benign for HSD17B4-related condition. Last evaluated: 2025-03-14. Review status: criteria provided, single submitter. Criteria: ACMG Guidelines, 2015. Collection method: clinical testing. Allele origin: germline.
Comment: This variant is classified as likely benign based on ACMG/AMP sequence variant interpretation guidelines (Richards et al. 2015 PMID: 25741868, with internal and published modifications).

NM_000414.4(HSD17B4):c.-9G>T

Gene: HSD17B4 (hydroxysteroid 17-beta dehydrogenase 4; plus strand). Cytogenetic location: 5q23.1.
Variant type: single nucleotide variant.
Coding change: c.-9G>T on transcript NM_000414.4 (MANE Select); 9 bases upstream of the start codon, G replaced by T.
Molecular consequence: 5 prime UTR variant. On other transcripts: non-coding transcript variant (2).
Genome position (GRCh38, 1-based): chr5:119,452,567, G>T. VCF-style: chr5-119452567-G-T. GRCh37 (hg19) VCF-style: chr5-118788262-G-T.
Other names: c.-187G>T (NM_001199291.3); c.-9G>T (NM_001199292.2, NM_001374497.1, NM_001374498.1); c.-146G>T (NM_001292027.2); c.-608G>T (NM_001292028.2, NM_001374501.1); c.-542G>T (NM_001374499.1); c.-735G>T (NM_001374500.1); c.-613G>T (NM_001374502.1); c.-678G>T (NM_001374503.1).
Identifiers: ClinVar variation 4977537 (VCV004977537.1).
Genomic context (GRCh38, chr5:119,452,567, plus strand): 5'-TCCTCCTGTCCCGCAGTCGGCGTCCAGCGGCTCTGCTTGTTCGTGTGTGTGTCGTTGCAG[G>T]CCTTATTCATGGGCTCACCGCTGAGGTTCGACGGGCGGGTGGTACTGGTCACCGGCGCGG-3'